The following is an entry in ClinVar:

ClinVar aggregate classification (germline): Uncertain significance (1 of 4 stars; one submission).

Allele frequency attached by ClinVar (database versions not stated): gnomAD exomes below 0.00001.
gnomAD v4.1: 1 of 1,601,496 alleles (0.000062%); highest among the groups gnomAD compares: Non-Finnish European, 0.000085%; no homozygotes.

Submission:

Ambry Genetics
Classification: Uncertain significance. Last evaluated: 2025-07-05. Review status: criteria provided, single submitter. Criteria: Ambry Variant Classification Scheme 2023. Collection method: clinical testing. Allele origin: germline.
Comment: The p.H229Q variant (also known as c.687T>A), located in coding exon 5 of the RECQL gene, results from a T to A substitution at nucleotide position 687. The histidine at codon 229 is replaced by glutamine, an amino acid with highly similar properties. This amino acid position is conserved. In addition, the in silico prediction for this alteration is inconclusive. Since supporting evidence is limited at this time, the clinical significance of this alteration remains unclear.

NM_002907.4(RECQL):c.687T>A (p.His229Gln)

Gene: RECQL (RecQ like helicase; minus strand). Cytogenetic location: 12p12.1.
Variant type: single nucleotide variant.
Coding change: c.687T>A on transcript NM_002907.4 (MANE Select); coding-DNA position 687, T replaced by A.
Protein change: p.His229Gln; replaces histidine 229 with glutamine.
Molecular consequence: missense variant.
Genome position (GRCh38, 1-based): chr12:21,483,389, A>T on the plus strand (T>A on the coding strand, the complement: RECQL is on the minus strand). VCF-style: chr12-21483389-A-T. GRCh37 (hg19) VCF-style: chr12-21636323-A-T.
Other names: c.687T>A, p.His229Gln (NM_032941.3); short protein forms H229Q.
Identifiers: ClinVar variation 2450965 (VCV002450965.3), dbSNP rs2540374192, ClinGen allele CA384126640.